The following is an entry in ClinVar:

ClinVar aggregate classification (germline): Likely benign (1 of 4 stars; one submission).

Conditions:
Vitamin D-dependent rickets type II with alopecia (VDDR2A). Also called: GENERALIZED RESISTANCE TO 1,25-DIHYDROXYVITAMIN D; HYPOCALCEMIC VITAMIN D-RESISTANT RICKETS; PDDR IIA; PSEUDOVITAMIN D-DEFICIENCY, TYPE IIA; RICKETS, HEREDITARY VITAMIN D-RESISTANT; RICKETS-ALOPECIA SYNDROME. Identifiers: Orphanet 93160, MedGen C0342646, MONDO:0010186, OMIM 277440.

Allele frequency attached by ClinVar (database versions not stated): gnomAD exomes 0.02826; 1000 Genomes Project 0.03015; TOPMed 0.03019; 1000 Genomes Project 30x 0.03092; gnomAD 0.03190 and 0.03219.
gnomAD v4.1: 5,381 of 167,906 alleles (3.2%); highest among the groups gnomAD compares: Middle Eastern, 5.5%; 117 homozygotes.

Submission:

Illumina Laboratory Services, Illumina
Classification: Likely benign for Vitamin D-dependent rickets type II with alopecia. Last evaluated: 2018-01-13. Review status: criteria provided, single submitter. Criteria: ICSL Variant Classification Criteria 13 December 2019. Collection method: clinical testing. Allele origin: germline.
Comment: This variant was observed in the ICSL laboratory as part of a predisposition screen in an ostensibly healthy population. It had not been previously curated by ICSL or reported in the Human Gene Mutation Database (HGMD: prior to June 1st, 2018), and was therefore a candidate for classification through an automated scoring system. Utilizing variant allele frequency, disease prevalence and penetrance estimates, and inheritance mode, an automated score was calculated to assess if this variant is too frequent to cause the disease. Based on the score and internal cut-off values, a variant classified as likely benign is not then subjected to further curation. The score for this variant resulted in a classification of likely benign for this disease.

NM_000376.3(VDR):c.*562A>C

Gene: VDR (vitamin D receptor; minus strand). Cytogenetic location: 12q13.11.
Variant type: single nucleotide variant.
Coding change: c.*562A>C on transcript NM_000376.3 (MANE Select); 562 bases downstream of the stop codon, A replaced by C.
Molecular consequence: 3 prime UTR variant.
Genome position (GRCh38, 1-based): chr12:47,844,184, T>G on the plus strand (A>C on the coding strand, the complement: VDR is on the minus strand). VCF-style: chr12-47844184-T-G. GRCh37 (hg19) VCF-style: chr12-48237967-T-G.
Other names: c.*562A>C (NM_001017535.2, NM_001017536.2, NM_001374661.1 and 1 more transcripts); c.*361A>C (NM_001364085.2).
Identifiers: ClinVar variation 882526 (VCV000882526.4), dbSNP rs3858733, ClinGen allele CA236505469.